The following is an entry in ClinVar:

ClinVar aggregate classification (germline): Pathogenic (1 of 4 stars; one submission).

Submission:

CeGaT Center for Human Genetics Tuebingen
Classification: Pathogenic. Last evaluated: 2026-02-01. Review status: criteria provided, single submitter. Criteria: CeGaT Center For Human Genetics Tuebingen Variant Classification Criteria Version 2. Collection method: clinical testing. Allele origin: germline. Affected: yes. Observed: 2 variant alleles.
Comment: ERCC4: PVS1, PM2

NM_005236.3(ERCC4):c.61C>T (p.Gln21Ter)

Genes: ERCC4 (ERCC excision repair 4, endonuclease catalytic subunit; plus strand), LOC130058543 (ATAC-STARR-seq lymphoblastoid active region 10486; plus strand). Cytogenetic location: 16p13.12.
Variant type: single nucleotide variant.
Coding change: c.61C>T on transcript NM_005236.3 (MANE Select); coding-DNA position 61, C replaced by T.
Protein change: p.Gln21Ter; replaces glutamine 21 with a stop codon.
Molecular consequence: nonsense.
Genome position (GRCh38, 1-based): chr16:13,920,226, C>T. VCF-style: chr16-13920226-C-T. GRCh37 (hg19) VCF-style: chr16-14014083-C-T.
Other names: short protein forms Q21*.
Identifiers: ClinVar variation 4085550 (VCV004085550.8).